The following is an entry in ClinVar:

ClinVar aggregate classification (germline): Pathogenic. Review status: criteria provided, multiple submitters, no conflicts (2 of 4 stars). 3 submissions from 3 submitters: Pathogenic (3). Last evaluated 2024-10-04.

Conditions:
Pyridoxal phosphate-responsive seizures (PNPOD). Also called: SEIZURES, PYRIDOXINE-RESISTANT, PLP-SENSITIVE; EPILEPTIC ENCEPHALOPATHY, NEONATAL, PNPO-RELATED; Pyridoxine-5'-phosphate oxidase deficiency; Pyridoxal 5'-Phosphate (PLP)-Dependent Epilepsy; Pyridoxamine 5-Prime-Phosphate Oxidase Deficiency. Identifiers: Orphanet 79096, MedGen C1864723, MONDO:0012407, OMIM 610090. Disease mechanism: loss of function.

Submissions (3):

Dubai Health Genomic Medicine Center, Dubai Health
Classification: Pathogenic for Pyridoxamine 5-prime-phosphate oxidase deficiency. Last evaluated: 2024-10-04. Review status: criteria provided, single submitter. Criteria: ACMG Guidelines, 2015. Collection method: research. Allele origin: germline. Affected: yes.
Comment: PS1,PS3,PM3(strong),PP3,PM2,PP1

Labcorp Genetics (formerly Invitae), Labcorp
Classification: Pathogenic for Pyridoxal phosphate-responsive seizures. Last evaluated: 2023-09-05. Review status: criteria provided, single submitter. Criteria: Invitae Variant Classification Sherloc (09022015). Collection method: clinical testing. Allele origin: germline.
Comment: This variant is not present in population databases (gnomAD no frequency). This sequence change replaces arginine, which is basic and polar, with leucine, which is neutral and non-polar, at codon 225 of the PNPO protein (p.Arg225Leu). ClinVar contains an entry for this variant (Variation ID: 206451). Advanced modeling of protein sequence and biophysical properties (such as structural, functional, and spatial information, amino acid conservation, physicochemical variation, residue mobility, and thermodynamic stability) performed at Invitae indicates that this missense variant is expected to disrupt PNPO protein function. This variant disrupts the p.Arg225 amino acid residue in PNPO. Other variant(s) that disrupt this residue have been determined to be pathogenic (PMID: 22858719, 24266778, 24645144, 24658933). This suggests that this residue is clinically significant, and that variants that disrupt this residue are likely to be disease-causing. For these reasons, this variant has been classified as Pathogenic. This missense change has been observed in individual(s) with developmental and epileptic encephalopathy (PMID: 22858719, 28985901).

GeneDx
Classification: Pathogenic. Last evaluated: 2016-01-18. Review status: criteria provided, single submitter. Criteria: GeneDx Variant Classification (06012015). Collection method: clinical testing. Allele origin: germline. Affected: yes.
Comment: The R225L missense variant in the PNPO gene has been reported previously as a homozygous variant in two siblings with pyridox(am)ine-5'-phosphate oxidase (PNPO) deficiency (Sund et al., 2013). R225L is a non-conservative amino acid substitution, which is likely to impact secondary protein structure as these residues differ in polarity, charge, size and/or other properties. This substitution alters a highly conserved position in the predicted substrate binding region of the PNP oxidase enzyme and functional studies indicate that the R225 residue lies within a region of the protein that is necessary for substrate binding and catalysis (Musayev et al., 2009). In addition, other missense variants at the same position (R225H, R225C) have been reported previously in association with PNPO deficiency.

Literature cited by the submitters: PubMed 22858719 (cited by Labcorp Genetics (formerly Invitae), Labcorp); PubMed 24266778 (cited by Labcorp Genetics (formerly Invitae), Labcorp); PubMed 24645144 (cited by Labcorp Genetics (formerly Invitae), Labcorp); PubMed 24658933 (cited by Labcorp Genetics (formerly Invitae), Labcorp); PubMed 28985901 (cited by Labcorp Genetics (formerly Invitae), Labcorp).

NM_018129.4(PNPO):c.674G>T (p.Arg225Leu)

Gene: PNPO (pyridoxamine 5'-phosphate oxidase; plus strand). Cytogenetic location: 17q21.32.
Variant type: single nucleotide variant.
Coding change: c.674G>T on transcript NM_018129.4 (MANE Select); coding-DNA position 674, G replaced by T.
Protein change: p.Arg225Leu; replaces arginine 225 with leucine.
Molecular consequence: missense variant.
Genome position (GRCh38, 1-based): chr17:47,946,670, G>T. VCF-style: chr17-47946670-G-T. GRCh37 (hg19) VCF-style: chr17-46024036-G-T.
Other names: p.R225L:CGC>CTC; short protein forms R225L.
Identifiers: ClinVar variation 206451 (VCV000206451.6), dbSNP rs550423482, ClinGen allele CA316566.